The following is an entry in ClinVar:

NM_020937.4(FANCM):c.5050A>G (p.Arg1684Gly)

Gene: FANCM (FA complementation group M; plus strand). Cytogenetic location: 14q21.2.
Variant type: single nucleotide variant.
Coding change: c.5050A>G on transcript NM_020937.4 (MANE Select); coding-DNA position 5050, A replaced by G.
Protein change: p.Arg1684Gly; replaces arginine 1684 with glycine.
Molecular consequence: missense variant.
Genome position (GRCh38, 1-based): chr14:45,189,072, A>G. VCF-style: chr14-45189072-A-G. GRCh37 (hg19) VCF-style: chr14-45658275-A-G.
Other names: c.4972A>G, p.Arg1658Gly (NM_001308133.2); short protein forms R1658G, R1684G.
Identifiers: ClinVar variation 2606107 (VCV002606107.3), dbSNP rs150391962, ClinGen allele CA7169896.

ClinVar aggregate classification (germline): Uncertain significance (1 of 4 stars; one submission).

Conditions:
Inborn genetic diseases. Identifiers: MedGen C0950123, MeSH D030342.

Allele frequency attached by ClinVar (database versions not stated): ExAC 0.00001; gnomAD 0.00002; TOPMed 0.00003; ESP Exome Variant Server 0.00015.
gnomAD v4.1: 3 of 1,614,088 alleles (0.00019%); highest among the groups gnomAD compares: African/African-American, 0.004%; no homozygotes.

Submission:

Ambry Genetics
Classification: Uncertain significance for Inborn genetic diseases. Last evaluated: 2025-06-02. Review status: criteria provided, single submitter. Criteria: Ambry Variant Classification Scheme 2023. Collection method: clinical testing. Allele origin: germline.
Comment: The p.R1684G variant (also known as c.5050A>G), located in coding exon 20 of the FANCM gene, results from an A to G substitution at nucleotide position 5050. The arginine at codon 1684 is replaced by glycine, an amino acid with dissimilar properties. This amino acid position is conserved. In addition, this alteration is predicted to be tolerated by in silico analysis. Based on the available evidence, the clinical significance of this variant remains unclear.